The following is an entry in ClinVar:

NM_001130438.3(SPTAN1):c.1648G>A (p.Ala550Thr)

Gene: SPTAN1 (spectrin alpha, non-erythrocytic 1; plus strand). Cytogenetic location: 9q34.11.
Variant type: single nucleotide variant.
Coding change: c.1648G>A on transcript NM_001130438.3 (MANE Select); coding-DNA position 1648, G replaced by A.
Protein change: p.Ala550Thr; replaces alanine 550 with threonine.
Molecular consequence: missense variant.
Genome position (GRCh38, 1-based): chr9:128,582,554, G>A. VCF-style: chr9-128582554-G-A. GRCh37 (hg19) VCF-style: chr9-131344833-G-A.
Other names: c.1648G>A, p.Ala550Thr (NM_001195532.2, NM_001363759.2, NM_001363765.2 and 5 more transcripts); c.1684G>A, p.Ala562Thr (NM_001375312.2, NM_001375318.1); short protein forms A550T, A562T.
Identifiers: ClinVar variation 3360538 (VCV003360538.2).

ClinVar aggregate classification (germline): Uncertain significance (1 of 4 stars; one submission).

Submission:

GeneDx
Classification: Uncertain significance. Last evaluated: 2026-02-15. Review status: criteria provided, single submitter. Criteria: GeneDx Variant Classification Process June 2021. Collection method: clinical testing. Allele origin: germline.
Comment: Not observed at significant frequency in large population cohorts (gnomAD); In silico analysis suggests that this missense variant does not alter protein structure/function; Has not been previously published as pathogenic or benign to our knowledge